The following is an entry in ClinVar:

NM_024677.6(NSUN7):c.1440_1441dup (p.Ile481fs)

Gene: NSUN7 (NOP2/Sun RNA methyltransferase family member 7; plus strand). Cytogenetic location: 4p14.
Variant type: Duplication.
Coding change: c.1440_1441dup on transcript NM_024677.6 (MANE Select); coding-DNA positions 1440 to 1441, 2 bases duplicated (AA; older notation c.1440_1441dupAA).
Protein change: p.Ile481fs; shifts the reading frame from isoleucine 481.
Molecular consequence: frameshift variant. On other transcripts: intron variant (1).
Genome position (GRCh38, 1-based): chr4:40,807,100-40,807,101, AA duplicated; duplicating any 2 consecutive bases within chr4:40,807,099-40,807,101 gives the same sequence; the c. name uses the placement nearest the transcript's 3' end. VCF-style (leftmost placement, unchanged base first): chr4-40807098-G-GAA. GRCh37 (hg19) VCF-style: chr4-40809115-G-GAA.
Other names: c.1401-1207_1401-1206dup (NM_001330648.3); short protein forms I481fs.
Identifiers: ClinVar variation 4880110 (VCV004880110.1).

ClinVar aggregate classification (germline): Uncertain significance (1 of 4 stars; one submission).

Conditions:
Primary ciliary dyskinesia. Also called: Ciliary dyskinesia. Identifiers: Orphanet 244, MedGen C0008780, MONDO:0016575, HP:0012265.

Submission:

Department of Human Genetics, Hannover Medical School
Classification: Uncertain significance for Primary Ciliary Dyskinesia. Last evaluated: 2026-04-01. Review status: criteria provided, single submitter. Criteria: ACMG Guidelines, 2015. Collection method: research. Allele origin: germline. Affected: no.
Comment: Classification performed by HerediClassify using the following criteria:['PM2_supporting: Variant occures does not occur as homozygous in gnomAD.', 'PVS1_protein_strong: Transcript ENST00000381782 is not predicted to undergo NMD. Protein length change of 0.29665738161559885 observed.']